The following is an entry in ClinVar:

NM_000053.4(ATP7B):c.410C>T (p.Ser137Phe)

Gene: ATP7B (ATPase copper transporting beta; minus strand). Cytogenetic location: 13q14.3.
Variant type: single nucleotide variant.
Coding change: c.410C>T on transcript NM_000053.4 (MANE Select); coding-DNA position 410, C replaced by T.
Protein change: p.Ser137Phe; replaces serine 137 with phenylalanine.
Molecular consequence: missense variant.
Genome position (GRCh38, 1-based): chr13:51,974,810, G>A on the plus strand (C>T on the coding strand, the complement: ATP7B is on the minus strand). VCF-style: chr13-51974810-G-A. GRCh37 (hg19) VCF-style: chr13-52548946-G-A.
Other names: c.410C>T, p.Ser137Phe (NM_001005918.3, NM_001406519.1, NM_001406520.1 and 30 more transcripts); c.314C>T, p.Ser105Phe (NM_001406518.1, NM_001406539.1, NM_001406543.1 and 4 more transcripts); short protein forms S105F, S137F.
Identifiers: ClinVar variation 3071573 (VCV003071573.1), dbSNP rs1952025818, ClinGen allele CA388044074.

ClinVar aggregate classification (germline): Uncertain significance (1 of 4 stars; one submission).

Conditions:
Wilson disease (WND). Also called: Wilson's disease. Identifiers: Orphanet 905, MedGen C0019202, MONDO:0010200, OMIM 277900. Disease mechanism: loss of function.

Submission:

All of Us Research Program, National Institutes of Health
Classification: Uncertain significance for Wilson disease. Last evaluated: 2023-06-08. Review status: criteria provided, single submitter. Criteria: ACMG Guidelines, 2015. Collection method: clinical testing. Allele origin: germline. Inheritance: Autosomal recessive inheritance. Observed: 1 variant allele, 1 heterozygote.
Comment: This missense variant replaces serine with phenylalanine at codon 137 of the ATP7B protein. Computational prediction suggests that this variant may not impact protein structure and function (internally defined REVEL score threshold <= 0.5, PMID: 27666373). To our knowledge, functional studies have not been reported for this variant. This variant has not been reported in individuals affected with ATP7B-related disorders in the literature. This variant has not been identified in the general population by the Genome Aggregation Database (gnomAD). The available evidence is insufficient to determine the role of this variant in disease conclusively. Therefore, this variant is classified as a Variant of Uncertain Significance.

This study involves interpretation of variants in research participants for the purpose of population health screening. Participant phenotype was not available at the time of variant classification. Additional details can be found in publication PMID: 35346344, PMCID: PMC8962531